The following is an entry in ClinVar:

ClinVar aggregate classification (germline): Uncertain significance (1 of 4 stars; one submission).

gnomAD v4.1: 2 of 1,613,656 alleles (0.00012%); highest among the groups gnomAD compares: South Asian, 0.0011%; no homozygotes.

Submission:

GeneDx
Classification: Uncertain significance. Last evaluated: 2024-02-21. Review status: criteria provided, single submitter. Criteria: GeneDx Variant Classification Process June 2021. Collection method: clinical testing. Allele origin: germline. Affected: yes.
Comment: Not observed at significant frequency in large population cohorts (gnomAD); In silico analysis supports that this missense variant does not alter protein structure/function; Has not been previously published as pathogenic or benign to our knowledge

NM_014727.3(KMT2B):c.7073T>C (p.Leu2358Ser)

Gene: KMT2B (lysine methyltransferase 2B; plus strand). Cytogenetic location: 19q13.12.
Variant type: single nucleotide variant.
Coding change: c.7073T>C on transcript NM_014727.3 (MANE Select); coding-DNA position 7073, T replaced by C.
Protein change: p.Leu2358Ser; replaces leucine 2358 with serine.
Molecular consequence: missense variant.
Genome position (GRCh38, 1-based): chr19:35,733,786, T>C. VCF-style: chr19-35733786-T-C. GRCh37 (hg19) VCF-style: chr19-36224687-T-C.
Other names: short protein forms L2358S.
Identifiers: ClinVar variation 3369587 (VCV003369587.1).